The following is an entry in ClinVar:

NM_001903.5(CTNNA1):c.1283A>C (p.Asn428Thr)

Gene: CTNNA1 (catenin alpha 1; plus strand). Cytogenetic location: 5q31.2.
Variant type: single nucleotide variant.
Coding change: c.1283A>C on transcript NM_001903.5 (MANE Select); coding-DNA position 1283, A replaced by C.
Protein change: p.Asn428Thr; replaces asparagine 428 with threonine.
Molecular consequence: missense variant. On other transcripts: 5 prime UTR variant (5), intron variant (2).
Genome position (GRCh38, 1-based): chr5:138,887,629, A>C. VCF-style: chr5-138887629-A-C. GRCh37 (hg19) VCF-style: chr5-138223318-A-C.
Other names: c.1283A>C, p.Asn428Thr (NM_001290307.3, NM_001323982.2, NM_001323983.1 and 3 more transcripts); c.974A>C, p.Asn325Thr (NM_001290309.3); c.914A>C, p.Asn305Thr (NM_001290310.3); c.173A>C, p.Asn58Thr (NM_001290312.1, NM_001323987.1, NM_001323988.1 and 18 more transcripts); c.-225A>C (NM_001324006.1, NM_001324007.1, NM_001324008.1 and 1 more transcripts); c.-100A>C (NM_001324013.1); c.-58+12032A>C (NM_001324012.1); c.-61+12032A>C (NM_001324010.1); short protein forms N325T, N305T, N428T, N58T.
Identifiers: ClinVar variation 4737571 (VCV004737571.1).

ClinVar aggregate classification (germline): Uncertain significance (1 of 4 stars; one submission).

Submission:

Labcorp Genetics (formerly Invitae), Labcorp
Classification: Uncertain significance. Last evaluated: 2025-02-02. Review status: criteria provided, single submitter. Criteria: Invitae Variant Classification Sherloc (09022015). Collection method: clinical testing. Allele origin: germline.
Comment: This sequence change replaces asparagine, which is neutral and polar, with threonine, which is neutral and polar, at codon 428 of the CTNNA1 protein (p.Asn428Thr). This variant is not present in population databases (gnomAD no frequency). This variant has not been reported in the literature in individuals affected with CTNNA1-related conditions. Invitae Evidence Modeling of protein sequence and biophysical properties (such as structural, functional, and spatial information, amino acid conservation, physicochemical variation, residue mobility, and thermodynamic stability) indicates that this missense variant is not expected to disrupt CTNNA1 protein function with a negative predictive value of 80%. In summary, the available evidence is currently insufficient to determine the role of this variant in disease. Therefore, it has been classified as a Variant of Uncertain Significance.